The following is an entry in ClinVar:

ClinVar aggregate classification (germline): Uncertain significance. Review status: criteria provided, multiple submitters, no conflicts (2 of 4 stars). 3 submissions from 3 submitters: Uncertain significance (3). Last evaluated 2025-08-13.

Conditions:
Inborn genetic diseases. Identifiers: MedGen C0950123, MeSH D030342.

gnomAD v4.1: 2 of 1,608,772 alleles (0.00012%); highest among the groups gnomAD compares: Non-Finnish European, 0.00017%; no homozygotes.

Submissions (3):

Labcorp Genetics (formerly Invitae), Labcorp
Classification: Uncertain significance. Last evaluated: 2025-08-13. Review status: criteria provided, single submitter. Criteria: Invitae Variant Classification Sherloc (09022015). Collection method: clinical testing. Allele origin: germline.
Comment: This sequence change replaces threonine, which is neutral and polar, with alanine, which is neutral and non-polar, at codon 333 of the SPEG protein (p.Thr333Ala). This variant is not present in population databases (gnomAD no frequency). This variant has not been reported in the literature in individuals affected with SPEG-related conditions. ClinVar contains an entry for this variant (Variation ID: 1935337). Invitae Evidence Modeling of protein sequence and biophysical properties (such as structural, functional, and spatial information, amino acid conservation, physicochemical variation, residue mobility, and thermodynamic stability) indicates that this missense variant is expected to disrupt SPEG protein function with a positive predictive value of 95%. In summary, the available evidence is currently insufficient to determine the role of this variant in disease. Therefore, it has been classified as a Variant of Uncertain Significance.

Mayo Clinic Laboratories, Mayo Clinic
Classification: Uncertain significance. Last evaluated: 2023-10-02. Review status: criteria provided, single submitter. Criteria: ACMG Guidelines, 2015. Collection method: clinical testing. Allele origin: germline. Observed: 1 variant allele.
Comment: BP4, PM2_moderate

Ambry Genetics
Classification: Uncertain significance for Inborn genetic diseases. Last evaluated: 2023-04-19. Review status: criteria provided, single submitter. Criteria: Ambry Variant Classification Scheme 2023. Collection method: clinical testing. Allele origin: germline.

NM_005876.5(SPEG):c.997A>G (p.Thr333Ala)

Gene: SPEG (striated muscle enriched protein kinase; plus strand). Cytogenetic location: 2q35.
Variant type: single nucleotide variant.
Coding change: c.997A>G on transcript NM_005876.5 (MANE Select); coding-DNA position 997, A replaced by G.
Protein change: p.Thr333Ala; replaces threonine 333 with alanine.
Molecular consequence: missense variant.
Genome position (GRCh38, 1-based): chr2:219,448,155, A>G. VCF-style: chr2-219448155-A-G. GRCh37 (hg19) VCF-style: chr2-220312877-A-G.
Other names: p.Thr333Ala; c.997A>G (NM_005876.4); short protein forms T333A.
Identifiers: ClinVar variation 1935337 (VCV001935337.7), dbSNP rs1255342370, ClinGen allele CA350716645.